The following is an entry in ClinVar:

NM_174878.3(CLRN1):c.556del (p.Thr186fs)

Gene: CLRN1 (clarin 1; minus strand). Cytogenetic location: 3q25.1.
Variant type: Deletion.
Coding change: c.556del on transcript NM_174878.3 (MANE Select); coding-DNA position 556, one base deleted (A; older notation c.556delA).
Protein change: p.Thr186fs; shifts the reading frame from threonine 186.
Molecular consequence: frameshift variant. On other transcripts: 3 prime UTR variant (1), non-coding transcript variant (1).
Genome position (GRCh38, 1-based): chr3:150,928,079, T deleted on the plus strand (A on the coding strand, the reverse complement: CLRN1 is on the minus strand). VCF-style (leftmost placement, unchanged base first): chr3-150928078-GT-G. GRCh37 (hg19) VCF-style: chr3-150645865-GT-G.
Other names: c.595del, p.Thr199fs (NM_001195794.1); c.*170del (NM_001256819.2); c.328del, p.Thr110fs (NM_052995.2); short protein forms T199fs, T186fs, T110fs.
Identifiers: ClinVar variation 2750069 (VCV002750069.3), dbSNP rs2472761631, ClinGen allele CA2697556910.
Genomic context (GRCh38, chr3:150,928,078, plus strand): 5'-ATTAGGAGCCCATTCAGAAAATGAACAAAAAAGCAAAAGAAAATGACCCAGAATGAGGTG[GT>G]ATATTTTTCACTTTGCGTTTTGTAGACATAAGTCCCTTCTTTATAATTTGCAATTTTTTC-3'

ClinVar aggregate classification (germline): Pathogenic (1 of 4 stars; one submission).

Submission:

Labcorp Genetics (formerly Invitae), Labcorp
Classification: Pathogenic. Last evaluated: 2023-08-04. Review status: criteria provided, single submitter. Criteria: Invitae Variant Classification Sherloc (09022015). Collection method: clinical testing. Allele origin: germline.
Comment: This variant disrupts a region of the CLRN1 protein in which other variant(s) (p.Arg207*) have been determined to be pathogenic (PMID: 22952768, 23304067, 26338283). This suggests that this is a clinically significant region of the protein, and that variants that disrupt it are likely to be disease-causing. For these reasons, this variant has been classified as Pathogenic. This variant has not been reported in the literature in individuals affected with CLRN1-related conditions. This variant is not present in population databases (gnomAD no frequency). This sequence change creates a premature translational stop signal (p.Thr186Profs*16) in the CLRN1 gene. While this is not anticipated to result in nonsense mediated decay, it is expected to disrupt the last 47 amino acid(s) of the CLRN1 protein.

Literature cited by the submitters: PubMed 22952768; PubMed 23304067; PubMed 26338283.